The following is an entry in ClinVar:

ClinVar aggregate classification (germline): Uncertain significance (1 of 4 stars; one submission).

Allele frequency attached by ClinVar (database versions not stated): gnomAD 0.00001; gnomAD exomes 0.00002; TOPMed 0.00002.
gnomAD v4.1: 14 of 1,613,474 alleles (0.00087%); highest among the groups gnomAD compares: Admixed American, 0.0017%; no homozygotes.

Submission:

Labcorp Genetics (formerly Invitae), Labcorp
Classification: Uncertain significance. Last evaluated: 2022-06-16. Review status: criteria provided, single submitter. Criteria: Invitae Variant Classification Sherloc (09022015). Collection method: clinical testing. Allele origin: germline.
Comment: This sequence change replaces aspartic acid, which is acidic and polar, with histidine, which is basic and polar, at codon 63 of the TBX15 protein (p.Asp63His). This variant is not present in population databases (gnomAD no frequency). This variant has not been reported in the literature in individuals affected with TBX15-related conditions. Algorithms developed to predict the effect of missense changes on protein structure and function are either unavailable or do not agree on the potential impact of this missense change (SIFT: "Deleterious"; PolyPhen-2: "Probably Damaging"; Align-GVGD: "Class C0"). In summary, the available evidence is currently insufficient to determine the role of this variant in disease. Therefore, it has been classified as a Variant of Uncertain Significance.

NM_001330677.2(TBX15):c.505G>C (p.Asp169His)

Gene: TBX15 (T-box transcription factor 15; minus strand). Cytogenetic location: 1p12.
Variant type: single nucleotide variant.
Coding change: c.505G>C on transcript NM_001330677.2 (MANE Select); coding-DNA position 505, G replaced by C.
Protein change: p.Asp169His; replaces aspartic acid 169 with histidine.
Molecular consequence: missense variant.
Genome position (GRCh38, 1-based): chr1:118,926,526, C>G on the plus strand (G>C on the coding strand, the complement: TBX15 is on the minus strand). VCF-style: chr1-118926526-C-G. GRCh37 (hg19) VCF-style: chr1-119469149-C-G.
Other names: c.187G>C, p.Asp63His (NM_152380.3); short protein forms D169H, D63H.
Identifiers: ClinVar variation 1905075 (VCV001905075.5), dbSNP rs1392457475, ClinGen allele CA341435059.